The following is an entry in ClinVar:

NM_001347721.2(DYRK1A):c.1698A>G (p.Thr566=)

Gene: DYRK1A (dual specificity tyrosine phosphorylation regulated kinase 1A; plus strand). Cytogenetic location: 21q22.13.
Variant type: single nucleotide variant.
Coding change: c.1698A>G on transcript NM_001347721.2 (MANE Select); coding-DNA position 1698, A replaced by G.
Protein change: p.Thr566=; no amino-acid change (threonine 566 retained).
Molecular consequence: synonymous variant. On other transcripts: 3 prime UTR variant (2).
Genome position (GRCh38, 1-based): chr21:37,511,964, A>G. VCF-style: chr21-37511964-A-G. GRCh37 (hg19) VCF-style: chr21-38884267-A-G.
Other names: c.1698A>G, p.Thr566= (NM_001347722.2, NM_130436.2); c.1611A>G, p.Thr537= (NM_001347723.2); c.1725A>G, p.Thr575= (NM_001396.5); c.*101A>G (NM_101395.2); c.*10A>G (NM_130438.2); c.1725A>G (NM_001396.4).
Identifiers: ClinVar variation 2827272 (VCV002827272.4), dbSNP rs375157979, ClinGen allele CA512328034.

ClinVar aggregate classification (germline): Likely benign. Review status: criteria provided, multiple submitters, no conflicts (2 of 4 stars). 2 submissions from 2 submitters: Likely benign (2). Last evaluated 2025-11-20.

Conditions:
DYRK1A-related intellectual disability syndrome (MRD7). Also called: Intellectual developmental disorder, autosomal dominant 7; DYRK1A Syndrome. Identifiers: Orphanet 464306, MedGen C5568143, MONDO:0013578, OMIM 614104.
DYRK1A-related disorder.

gnomAD v4.1: 2 of 1,614,152 alleles (0.00012%); highest among the groups gnomAD compares: East Asian, 0.0045%; no homozygotes.

Submissions (2):

PreventionGenetics, part of Exact Sciences
Classification: Likely benign for DYRK1A-related condition. Last evaluated: 2025-11-20. Review status: criteria provided, single submitter. Criteria: ACMG Guidelines, 2015. Collection method: clinical testing. Allele origin: germline.
Comment: This variant is classified as likely benign based on ACMG/AMP sequence variant interpretation guidelines (Richards et al. 2015 PMID: 25741868, with internal and published modifications).

Labcorp Genetics (formerly Invitae), Labcorp
Classification: Likely benign for DYRK1A-related intellectual disability syndrome. Last evaluated: 2023-07-25. Review status: criteria provided, single submitter. Criteria: Invitae Variant Classification Sherloc (09022015). Collection method: clinical testing. Allele origin: germline.